The following is an entry in ClinVar:

ClinVar aggregate classification (germline): Uncertain significance. Review status: criteria provided, multiple submitters, no conflicts (2 of 4 stars). 2 submissions from 2 submitters: Uncertain significance (2). Last evaluated 2025-11-26.

Conditions:
Inborn genetic diseases. Identifiers: MedGen C0950123, MeSH D030342.

Allele frequency attached by ClinVar (database versions not stated): TOPMed 0.00002; ExAC 0.00003; gnomAD 0.00001; gnomAD exomes 0.00001.
gnomAD v4.1: 20 of 1,607,872 alleles (0.0012%); highest among the groups gnomAD compares: Middle Eastern, 0.12%; 1 homozygote.

Submissions (2):

Ambry Genetics
Classification: Uncertain significance for Inborn genetic diseases. Last evaluated: 2025-11-26. Review status: criteria provided, single submitter. Criteria: Ambry Variant Classification Scheme 2023. Collection method: clinical testing. Allele origin: germline.

Labcorp Genetics (formerly Invitae), Labcorp
Classification: Uncertain significance. Last evaluated: 2022-07-21. Review status: criteria provided, single submitter. Criteria: Invitae Variant Classification Sherloc (09022015). Collection method: clinical testing. Allele origin: germline.
Comment: This sequence change replaces asparagine, which is neutral and polar, with serine, which is neutral and polar, at codon 441 of the ASNS protein (p.Asn441Ser). This variant is present in population databases (rs760800612, gnomAD 0.006%). This variant has not been reported in the literature in individuals affected with ASNS-related conditions. Algorithms developed to predict the effect of missense changes on protein structure and function (SIFT, PolyPhen-2, Align-GVGD) all suggest that this variant is likely to be tolerated. In summary, the available evidence is currently insufficient to determine the role of this variant in disease. Therefore, it has been classified as a Variant of Uncertain Significance.

NM_001673.5(ASNS):c.1322A>G (p.Asn441Ser)

Genes: ASNS (asparagine synthetase (glutamine-hydrolyzing); minus strand), CZ1P-ASNS (CZ1P-ASNS readthrough; minus strand). Cytogenetic location: 7q21.3.
Variant type: single nucleotide variant.
Coding change: c.1322A>G on transcript NM_001673.5 (MANE Select); coding-DNA position 1322, A replaced by G.
Protein change: p.Asn441Ser; replaces asparagine 441 with serine.
Molecular consequence: missense variant. On other transcripts: non-coding transcript variant (1).
Genome position (GRCh38, 1-based): chr7:97,853,214, T>C on the plus strand (A>G on the coding strand, the complement: ASNS is on the minus strand). VCF-style: chr7-97853214-T-C. GRCh37 (hg19) VCF-style: chr7-97482526-T-C.
Other names: c.1259A>G, p.Asn420Ser (NM_001178075.2); c.1073A>G, p.Asn358Ser (NM_001178076.2, NM_001178077.1); c.1322A>G, p.Asn441Ser (NM_001352496.2, NM_133436.3, NM_183356.4); short protein forms N358S, N420S, N441S.
Identifiers: ClinVar variation 1929701 (VCV001929701.3), dbSNP rs760800612, ClinGen allele CA4354518.